The following is an entry in ClinVar:

NC_000008.10:g.(?_145729802)_(145737046_?)del

Genes: GPT (glutamic--pyruvic transaminase; plus strand), RECQL4 (RecQ like helicase 4; minus strand), SLC33A2 (solute carrier family 33 member 2; plus strand). Cytogenetic location: 8q24.3.
Variant type: Deletion.
Identifiers: ClinVar variation 1411106 (VCV001411106.6).

ClinVar aggregate classification (germline): Uncertain significance (1 of 4 stars; one submission).

Conditions:
Baller-Gerold syndrome (BGS). Also called: CRANIOSYNOSTOSIS WITH RADIAL DEFECTS. Identifiers: Orphanet 1225, MedGen C0265308, MONDO:0009039, OMIM 218600.

Submission:

Labcorp Genetics (formerly Invitae), Labcorp
Classification: Uncertain significance for Baller-Gerold syndrome. Last evaluated: 2021-04-14. Review status: criteria provided, single submitter. Criteria: Invitae Variant Classification Sherloc (09022015). Collection method: clinical testing. Allele origin: germline.
Comment: In summary, the available evidence is currently insufficient to determine the role of this variant in disease. Therefore, it has been classified as a Variant of Uncertain Significance. This variant disrupts the C-terminus of the RECQL4 protein. Other variant(s) that disrupt this region (p.Gln1175*) have been observed in individuals with RECQL4-related conditions (PMID: 12734318). This suggests that this may be a clinically significant region of the protein. This variant has not been reported in the literature in individuals with RECQL4-related conditions. This variant is a gross deletion of the genomic region encompassing exon(s) 21 of the RECQL4 gene. The 5' boundary is likely confined to intron 20. The 3' end of this event is unknown as it extends through the termination codon beyond the assayed region for this gene and may encompass additional genes. While this deletion is not anticipated to lead to nonsense mediated decay, it is expected to alter mRNA translation or result in a truncated protein product.

Literature cited by the submitters: PubMed 12734318.